The following is an entry in ClinVar:

ClinVar aggregate classification (germline): Uncertain significance (1 of 4 stars; one submission).

Allele frequency attached by ClinVar (database versions not stated): gnomAD exomes below 0.00001; ExAC 0.00001.
gnomAD v4.1: 1 of 1,614,226 alleles (0.000062%); highest among the groups gnomAD compares: Non-Finnish European, 0.000085%; no homozygotes.

Submissions (2):

Ambry Genetics
Classification: Uncertain significance. Last evaluated: 2023-04-20. Review status: criteria provided, single submitter. Criteria: Ambry Variant Classification Scheme 2023. Collection method: clinical testing. Allele origin: germline.
Comment: The p.S1653R variant (also known as c.4957A>C), located in coding exon 43 of the KIF1B gene, results from an A to C substitution at nucleotide position 4957. The serine at codon 1653 is replaced by arginine, an amino acid with dissimilar properties. This amino acid position is poorly conserved in available vertebrate species. In addition, this alteration is predicted to be tolerated by in silico analysis. The evidence for this gene-disease relationship is limited; therefore, the clinical significance of this alteration is unclear.

Dr. Peter K. Rogan Lab, Western University
No classification provided (evidence only). Condition: Clear cell carcinoma of kidney. Review status: no classification provided. Collection method: in vitro. Allele origin: not applicable. Functional consequence: retained intron. Not counted in ClinVar's aggregate classification.

NM_001365951.3(KIF1B):c.5095A>C (p.Ser1699Arg)

Gene: KIF1B (kinesin family member 1B; plus strand). Cytogenetic location: 1p36.22.
Variant type: single nucleotide variant.
Coding change: c.5095A>C on transcript NM_001365951.3 (MANE Select); coding-DNA position 5095, A replaced by C.
Protein change: p.Ser1699Arg; replaces serine 1699 with arginine.
Molecular consequence: missense variant.
Genome position (GRCh38, 1-based): chr1:10,374,464, A>C. VCF-style: chr1-10374464-A-C. GRCh37 (hg19) VCF-style: chr1-10434522-A-C.
Other names: NC_000001.10:g.10434522A>C; c.5095A>C, p.Ser1699Arg (NM_001365952.1); c.4957A>C, p.Ser1653Arg (NM_015074.3); short protein forms S1699R, S1653R.
Identifiers: ClinVar variation 2561715 (VCV002561715.3), dbSNP rs757564628, ClinGen allele CA582257.